The following is an entry in ClinVar:

NM_000038.6(APC):c.5062G>A (p.Asp1688Asn)

Gene: APC (APC regulator of Wnt signaling pathway; plus strand). Cytogenetic location: 5q22.2.
Variant type: single nucleotide variant.
Coding change: c.5062G>A on transcript NM_000038.6 (MANE Select); coding-DNA position 5062, G replaced by A.
Protein change: p.Asp1688Asn; replaces aspartic acid 1688 with asparagine.
Molecular consequence: missense variant.
Genome position (GRCh38, 1-based): chr5:112,840,656, G>A. VCF-style: chr5-112840656-G-A. GRCh37 (hg19) VCF-style: chr5-112176353-G-A.
Other names: c.5062G>A, p.Asp1688Asn (NM_001127510.3, NM_001354895.2); c.5008G>A, p.Asp1670Asn (NM_001127511.3); c.5116G>A, p.Asp1706Asn (NM_001354896.2); c.5092G>A, p.Asp1698Asn (NM_001354897.2); c.4987G>A, p.Asp1663Asn (NM_001354898.2); c.4978G>A, p.Asp1660Asn (NM_001354899.2); c.4939G>A, p.Asp1647Asn (NM_001354900.2); c.4885G>A, p.Asp1629Asn (NM_001354901.2); and 5 more; short protein forms D1629N, D1663N, D1405N, D1562N, D1660N, D1698N, D1706N, D1528N.
Identifiers: ClinVar variation 933607 (VCV000933607.11), dbSNP rs1765837208, ClinGen allele CA16032401.

ClinVar aggregate classification (germline): Uncertain significance (1 of 4 stars; one submission).

Conditions:
Familial adenomatous polyposis 1 (FAP1). Also called: POLYPOSIS, ADENOMATOUS INTESTINAL; FAMILIAL ADENOMATOUS POLYPOSIS 1, ATTENUATED. Identifiers: MedGen C2713442, MONDO:0021056, OMIM 175100. Disease mechanism: loss of function.

Submission:

Labcorp Genetics (formerly Invitae), Labcorp
Classification: Uncertain significance for Familial adenomatous polyposis 1. Last evaluated: 2025-04-21. Review status: criteria provided, single submitter. Criteria: Invitae Variant Classification Sherloc (09022015). Collection method: clinical testing. Allele origin: germline.
Comment: This sequence change replaces aspartic acid, which is acidic and polar, with asparagine, which is neutral and polar, at codon 1688 of the APC protein (p.Asp1688Asn). This variant is not present in population databases (gnomAD no frequency). This variant has not been reported in the literature in individuals affected with APC-related conditions. ClinVar contains an entry for this variant (Variation ID: 933607). Invitae Evidence Modeling of protein sequence and biophysical properties (such as structural, functional, and spatial information, amino acid conservation, physicochemical variation, residue mobility, and thermodynamic stability) indicates that this missense variant is not expected to disrupt APC protein function with a negative predictive value of 95%. In summary, the available evidence is currently insufficient to determine the role of this variant in disease. Therefore, it has been classified as a Variant of Uncertain Significance.